The following is an entry in ClinVar:

ClinVar aggregate classification (germline): Conflicting classifications of pathogenicity. Review status: criteria provided, conflicting classifications (1 of 4 stars). 2 submissions from 2 submitters: Pathogenic (1); Uncertain significance (1). Last evaluated 2023-11-19.

Conditions:
Early-infantile DEE. Also called: Ohtahara syndrome; Early infantile epileptic encephalopathy; Early infantile epileptic encephalopathy with suppression bursts. Identifiers: Orphanet 1934, MedGen C0393706, MONDO:0800491.

Submissions (2):

Labcorp Genetics (formerly Invitae), Labcorp
Classification: Pathogenic for Early-infantile DEE. Last evaluated: 2023-11-19. Review status: criteria provided, single submitter. Criteria: Invitae Variant Classification Sherloc (09022015). Collection method: clinical testing. Allele origin: germline.
Comment: This sequence change replaces glycine, which is neutral and non-polar, with arginine, which is basic and polar, at codon 1515 of the SCN1A protein (p.Gly1515Arg). This variant is not present in population databases (gnomAD no frequency). This missense change has been observed in individual(s) with autosomal dominant SCN1A-related conditions (PMID: 25108116). ClinVar contains an entry for this variant (Variation ID: 206836). Advanced modeling of protein sequence and biophysical properties (such as structural, functional, and spatial information, amino acid conservation, physicochemical variation, residue mobility, and thermodynamic stability) performed at Invitae indicates that this missense variant is expected to disrupt SCN1A protein function with a positive predictive value of 95%. Other variant(s) that result in missense have been determined to be pathogenic (Invitae). This suggests that this variant may also be clinically significant and likely to be disease-causing. For these reasons, this variant has been classified as Pathogenic.

GeneDx
Classification: Uncertain significance. Last evaluated: 2022-11-01. Review status: criteria provided, single submitter. Criteria: GeneDx Variant Classification Process June 2021. Collection method: clinical testing. Allele origin: germline. Affected: yes.
Comment: Identified in a family with epilepsy in the published literature; however, the proband also harbored heterozygous variants in the EFHC1 gene (Ream et al., 2014); Not observed at significant frequency in large population cohorts (gnomAD); Missense variants in this gene are often considered pathogenic (HGMD); In silico analysis supports that this missense variant has a deleterious effect on protein structure/function; This substitution is predicted to be within the cytoplasmic loop between the third and fourth homologous domains.; This variant is associated with the following publications: (PMID: 29655203, 25108116)

Literature cited by the submitters: PubMed 25108116 (cited by Labcorp Genetics (formerly Invitae), Labcorp).

NM_001165963.4(SCN1A):c.4543G>A (p.Gly1515Arg)

Genes: SCN1A (sodium voltage-gated channel alpha subunit 1; minus strand), LOC102724058 (uncharacterized LOC102724058; plus strand). Cytogenetic location: 2q24.3.
Variant type: single nucleotide variant.
Coding change: c.4543G>A on transcript NM_001165963.4 (MANE Select); coding-DNA position 4543, G replaced by A.
Protein change: p.Gly1515Arg; replaces glycine 1515 with arginine.
Molecular consequence: missense variant. On other transcripts: non-coding transcript variant (1).
Genome position (GRCh38, 1-based): chr2:165,996,051, C>T on the plus strand (G>A on the coding strand, the complement: SCN1A is on the minus strand). VCF-style: chr2-165996051-C-T. GRCh37 (hg19) VCF-style: chr2-166852561-C-T.
Other names: p.G1515R:GGA>AGA; c.4459G>A, p.Gly1487Arg (NM_001165964.3, NM_001353957.2, NM_001353958.2); c.4543G>A, p.Gly1515Arg (NM_001202435.3, NM_001353948.2); c.4510G>A, p.Gly1504Arg (NM_001353949.2, NM_001353950.2, NM_001353951.2 and 2 more transcripts); c.4507G>A, p.Gly1503Arg (NM_001353954.2, NM_001353955.2); c.4456G>A, p.Gly1486Arg (NM_001353960.2); c.2101G>A, p.Gly701Arg (NM_001353961.2); short protein forms G1504R, G1515R, G1486R, G1503R, G1487R, G701R.
Identifiers: ClinVar variation 206836 (VCV000206836.7), dbSNP rs796053020, ClinGen allele CA317489.